The following is an entry in ClinVar:

NM_000243.3(MEFV):c.1099C>G (p.Leu367Val)

Gene: MEFV (MEFV innate immunity regulator, pyrin; minus strand). Cytogenetic location: 16p13.3.
Variant type: single nucleotide variant.
Coding change: c.1099C>G on transcript NM_000243.3 (MANE Select); coding-DNA position 1099, C replaced by G.
Protein change: p.Leu367Val; replaces leucine 367 with valine.
Molecular consequence: missense variant.
Genome position (GRCh38, 1-based): chr16:3,249,592, G>C on the plus strand (C>G on the coding strand, the complement: MEFV is on the minus strand). VCF-style: chr16-3249592-G-C. GRCh37 (hg19) VCF-style: chr16-3299592-G-C.
Other names: c.466C>G, p.Leu156Val (NM_001198536.2); short protein forms L367V, L156V.
Identifiers: ClinVar variation 375253 (VCV000375253.10), dbSNP rs1057519328, ClinGen allele CA16044017.

ClinVar aggregate classification (germline): Conflicting classifications of pathogenicity. Review status: criteria provided, conflicting classifications (1 of 4 stars). 8 submissions from 6 submitters: Uncertain significance (5); Likely benign (2). 1 of the submissions does not count toward it. Last evaluated 2023-02-08.

Conditions:
Familial Mediterranean fever, autosomal dominant. Also called: FMF, AUTOSOMAL DOMINANT; Dominant Familial Mediterranean Fever. Identifiers: Orphanet 342, MedGen C1851347, MONDO:0007601, OMIM 134610.
Familial Mediterranean fever (FMF). Also called: POLYSEROSITIS, FAMILIAL PAROXYSMAL; POLYSEROSITIS, RECURRENT; Periodic peritonitis; Benign paroxysmal peritonitis. Identifiers: Orphanet 342, MedGen C0031069, MONDO:0018088, OMIM 249100. Disease mechanism: gain of function.
Acute febrile neutrophilic dermatosis (AFND). Also called: Sweet Syndrome; Gomm Button disease. Identifiers: Orphanet 3243, MedGen C0085077, MONDO:0011959, OMIM 608068.
Behcet disease (BD). Also called: Behcet's syndrome; Behcet Syndrome. Identifiers: Orphanet 117, MedGen C0004943, MONDO:0007191, OMIM 109650, MeSH D001528.

Allele frequency attached by ClinVar (database versions not stated): gnomAD exomes 0.00001; gnomAD 0.00001 and 0.00002; TOPMed 0.00001.
gnomAD v4.1: 6 of 1,614,058 alleles (0.00037%); highest among the groups gnomAD compares: Admixed American, 0.0017%; no homozygotes.

Submissions (8):

Genome-Nilou Lab
Classification: Uncertain significance for Familial Mediterranean fever. Last evaluated: 2023-02-08. Review status: criteria provided, single submitter. Criteria: ACMG Guidelines, 2015. Collection method: clinical testing. Allele origin: germline.

Genome-Nilou Lab
Classification: Likely benign for Familial Mediterranean fever, autosomal dominant. Last evaluated: 2023-02-08. Review status: criteria provided, single submitter. Criteria: ACMG Guidelines, 2015. Collection method: clinical testing. Allele origin: germline.

Genome-Nilou Lab
Classification: Likely benign for Acute febrile neutrophilic dermatosis. Last evaluated: 2023-02-08. Review status: criteria provided, single submitter. Criteria: ACMG Guidelines, 2015. Collection method: clinical testing. Allele origin: germline.

Labcorp Genetics (formerly Invitae), Labcorp
Classification: Uncertain significance for Familial Mediterranean fever. Last evaluated: 2022-09-23. Review status: criteria provided, single submitter. Criteria: Invitae Variant Classification Sherloc (09022015). Collection method: clinical testing. Allele origin: germline.
Comment: This sequence change replaces leucine, which is neutral and non-polar, with valine, which is neutral and non-polar, at codon 367 of the MEFV protein (p.Leu367Val). This variant is not present in population databases (gnomAD no frequency). This missense change has been observed in individual(s) with MEFV-related conditions (PMID: 28814775). ClinVar contains an entry for this variant (Variation ID: 375253). Algorithms developed to predict the effect of missense changes on protein structure and function output the following: SIFT: "Tolerated"; PolyPhen-2: "Benign"; Align-GVGD: "Class C0". The valine amino acid residue is found in multiple mammalian species, which suggests that this missense change does not adversely affect protein function. In summary, the available evidence is currently insufficient to determine the role of this variant in disease. Therefore, it has been classified as a Variant of Uncertain Significance.

Women's Health and Genetics/Laboratory Corporation of America, LabCorp
Classification: Uncertain significance. Last evaluated: 2021-12-09. Review status: criteria provided, single submitter. Criteria: LabCorp Variant Classification Summary - May 2015. Collection method: clinical testing. Allele origin: germline.
Comment: Variant summary: MEFV c.1099C>G (p.Leu367Val) results in a conservative amino acid change in the encoded protein sequence. Five of five in-silico tools predict a benign effect of the variant on protein function. The variant was absent in 250532 control chromosomes (gnomAD). The available data on variant occurrences in the general population are insufficient to allow any conclusion about variant significance. c.1099C>G has been reported in the literature in an individual affected with Behcets disease (Burillo-Sanz_2017). This report does not provide unequivocal conclusions about association of the variant with Familial Mediterranean Fever. To our knowledge, no experimental evidence demonstrating an impact on protein function has been reported. One clinical diagnostic laboratory has submitted clinical-significance assessments for this variant to ClinVar after 2014 without evidence for independent evaluation and classified the variant as pathogenic. Based on the evidence outlined above, the variant was classified as uncertain significance.

Fulgent Genetics
Classification: Uncertain significance for Familial Mediterranean fever, autosomal dominant; Familial Mediterranean fever; Acute febrile neutrophilic dermatosis. Last evaluated: 2021-09-01. Review status: criteria provided, single submitter. Criteria: ACMG Guidelines, 2015. Collection method: clinical testing. Allele origin: unknown.

Revvity Omics, Revvity
Classification: Uncertain significance. Last evaluated: 2020-12-22. Review status: criteria provided, single submitter. Criteria: ACMG Guidelines, 2015. Collection method: clinical testing. Allele origin: germline.

Department of Immunology, Hospital Universitario Virgen del Rocio
Classification: Pathogenic for Behcet disease. Last evaluated: 2017-01-25. Review status: no assertion criteria provided. Collection method: case-control. Allele origin: germline. Affected: yes. Observed: 1 variant allele, 1 heterozygote. Not counted in ClinVar's aggregate classification.

Literature cited by the submitters: PubMed 28814775 (cited by Labcorp Genetics (formerly Invitae), Labcorp and Women's Health and Genetics/Laboratory Corporation of America, LabCorp); PubMed 31411330 (cited by Women's Health and Genetics/Laboratory Corporation of America, LabCorp).